The following is an entry in ClinVar:

ClinVar aggregate classification (germline): Likely benign. Review status: criteria provided, single submitter (1 of 4 stars). 2 submissions from 2 submitters: Likely benign (1). 1 of the submissions does not count toward it. Last evaluated 2024-10-10.

Conditions:
FYB1-related disorder. Also called: FYB1-related condition.

Allele frequency attached by ClinVar (database versions not stated): gnomAD 0.00038; TOPMed 0.00053; 1000 Genomes Project 0.00120; 1000 Genomes Project 30x 0.00125.
gnomAD v4.1: 451 of 1,613,880 alleles (0.028%); highest among the groups gnomAD compares: East Asian, 0.59%; 2 homozygotes.

Submissions (2):

Blueprint Genetics
Classification: Likely benign. Last evaluated: 2024-10-10. Review status: criteria provided, single submitter. Criteria: ACMG Guidelines, 2015. Collection method: clinical testing. Allele origin: germline.

PreventionGenetics, part of Exact Sciences
Classification: Likely benign for FYB1-related condition. Last evaluated: 2024-02-27. Review status: no assertion criteria provided. Collection method: clinical testing. Allele origin: germline. Not counted in ClinVar's aggregate classification.
Comment: This variant is classified as likely benign based on ACMG/AMP sequence variant interpretation guidelines (Richards et al. 2015 PMID: 25741868, with internal and published modifications).

NM_001465.6(FYB1):c.18G>A (p.Thr6=)

Gene: FYB1 (FYN binding protein 1; minus strand). Cytogenetic location: 5p13.1.
Variant type: single nucleotide variant.
Coding change: c.18G>A on transcript NM_001465.6 (MANE Select); coding-DNA position 18, G replaced by A.
Protein change: p.Thr6=; no amino-acid change (threonine 6 retained).
Molecular consequence: synonymous variant.
Genome position (GRCh38, 1-based): chr5:39,202,943, C>T on the plus strand (G>A on the coding strand, the complement: FYB1 is on the minus strand). VCF-style: chr5-39202943-C-T. GRCh37 (hg19) VCF-style: chr5-39203045-C-T.
Other names: c.48G>A, p.Thr16= (NM_001243093.2, NM_018594.2); c.18G>A, p.Thr6= (NM_001349333.2, NM_199335.5).
Identifiers: ClinVar variation 3058681 (VCV003058681.3), dbSNP rs16868323, ClinGen allele CA3246581.
Genomic context (GRCh38, chr5:39,202,943, plus strand): 5'-TGGCCCTGTGACTCTGAAGGGTCGGCTATTGACTGAGACATCCTCTGTCGGGTTGCCCCC[C>T]GTGTTATATTTCGCCATGAGGGACTTTACATCTGCCTTTCCATCCTACAAACATAGGGAA-3'
Protein context (NP_001456.3, residues 1-16): MAKYN[Thr6=]GGNPTEDVSV